The following is an entry in ClinVar:

NM_003590.5(CUL3):c.654+1G>A

Gene: CUL3 (cullin 3; minus strand). Cytogenetic location: 2q36.2.
Variant type: single nucleotide variant.
Coding change: c.654+1G>A on transcript NM_003590.5 (MANE Select); the canonical splice donor site of the intron after coding-DNA position 654, G replaced by A.
Molecular consequence: splice donor variant.
Genome position (GRCh38, 1-based): chr2:224,513,523, C>T on the plus strand (G>A on the coding strand, the complement: CUL3 is on the minus strand). VCF-style: chr2-224513523-C-T. GRCh37 (hg19) VCF-style: chr2-225378240-C-T.
Other names: c.456+1G>A (NM_001257197.2); c.672+1G>A (NM_001257198.2).
Identifiers: ClinVar variation 3770608 (VCV003770608.13).

ClinVar aggregate classification (germline): Uncertain significance (1 of 4 stars; one submission).

Submission:

CeGaT Center for Human Genetics Tuebingen
Classification: Uncertain significance. Last evaluated: 2024-12-01. Review status: criteria provided, single submitter. Criteria: CeGaT Center For Human Genetics Tuebingen Variant Classification Criteria Version 2. Collection method: clinical testing. Allele origin: germline. Affected: yes. Observed: 1 variant allele.
Comment: CUL3: PM2, PVS1:Moderate, PS2:Supporting